The following is an entry in ClinVar:

ClinVar aggregate classification (germline): Uncertain significance (1 of 4 stars; one submission).

Conditions:
Primary ciliary dyskinesia. Also called: Ciliary dyskinesia. Identifiers: Orphanet 244, MedGen C0008780, MONDO:0016575, HP:0012265.

Submission:

Labcorp Genetics (formerly Invitae), Labcorp
Classification: Uncertain significance for Primary ciliary dyskinesia. Last evaluated: 2022-09-29. Review status: criteria provided, single submitter. Criteria: Invitae Variant Classification Sherloc (09022015). Collection method: clinical testing. Allele origin: germline.
Comment: This sequence change replaces histidine, which is basic and polar, with glutamine, which is neutral and polar, at codon 1835 of the DNAH11 protein (p.His1835Gln). This variant is not present in population databases (gnomAD no frequency). This variant has not been reported in the literature in individuals affected with DNAH11-related conditions. Advanced modeling of protein sequence and biophysical properties (such as structural, functional, and spatial information, amino acid conservation, physicochemical variation, residue mobility, and thermodynamic stability) performed at Invitae indicates that this missense variant is not expected to disrupt DNAH11 protein function. In summary, the available evidence is currently insufficient to determine the role of this variant in disease. Therefore, it has been classified as a Variant of Uncertain Significance.

NM_001277115.2(DNAH11):c.5505C>G (p.His1835Gln)

Gene: DNAH11 (dynein axonemal heavy chain 11; plus strand). Cytogenetic location: 7p15.3.
Variant type: single nucleotide variant.
Coding change: c.5505C>G on transcript NM_001277115.2 (MANE Select); coding-DNA position 5505, C replaced by G.
Protein change: p.His1835Gln; replaces histidine 1835 with glutamine.
Molecular consequence: missense variant.
Genome position (GRCh38, 1-based): chr7:21,683,828, C>G. VCF-style: chr7-21683828-C-G. GRCh37 (hg19) VCF-style: chr7-21723446-C-G.
Other names: c.5526C>G, p.His1842Gln (NM_003777.3); short protein forms H1835Q, H1842Q.
Identifiers: ClinVar variation 2077396 (VCV002077396.1), dbSNP rs368778303, ClinGen allele CA155113093.